The following is an entry in ClinVar:

ClinVar aggregate classification (germline): Uncertain significance (1 of 4 stars; one submission).

Submission:

Labcorp Genetics (formerly Invitae), Labcorp
Classification: Uncertain significance. Last evaluated: 2021-05-29. Review status: criteria provided, single submitter. Criteria: Invitae Variant Classification Sherloc (09022015). Collection method: clinical testing. Allele origin: germline.
Comment: In summary, the available evidence is currently insufficient to determine the role of this variant in disease. Therefore, it has been classified as a Variant of Uncertain Significance. Algorithms developed to predict the effect of missense changes on protein structure and function are either unavailable or do not agree on the potential impact of this missense change (SIFT: "Deleterious"; PolyPhen-2: "Probably Damaging"; Align-GVGD: "Class C0"). This variant has not been reported in the literature in individuals with MTHFD1-related conditions. This variant is not present in population databases (ExAC no frequency). This sequence change replaces alanine with threonine at codon 132 of the MTHFD1 protein (p.Ala132Thr). The alanine residue is highly conserved and there is a small physicochemical difference between alanine and threonine.

NM_005956.4(MTHFD1):c.394G>A (p.Ala132Thr)

Gene: MTHFD1 (methylenetetrahydrofolate dehydrogenase, cyclohydrolase and formyltetrahydrofolate synthetase 1; plus strand). Cytogenetic location: 14q23.3.
Variant type: single nucleotide variant.
Coding change: c.394G>A on transcript NM_005956.4 (MANE Select); coding-DNA position 394, G replaced by A.
Protein change: p.Ala132Thr; replaces alanine 132 with threonine.
Molecular consequence: missense variant.
Genome position (GRCh38, 1-based): chr14:64,415,655, G>A. VCF-style: chr14-64415655-G-A. GRCh37 (hg19) VCF-style: chr14-64882373-G-A.
Other names: c.394G>A, p.Ala132Thr (NM_001364837.1); short protein forms A132T.
Identifiers: ClinVar variation 1479363 (VCV001479363.8), dbSNP rs2140956256, ClinGen allele CA389973782.